The following is an entry in ClinVar:

NM_172240.3(POC1B):c.722A>G (p.Asn241Ser)

Genes: POC1B (POC1 centriolar protein B; minus strand), POC1B-DUSP6 (POC1B-DUSP6 readthrough; minus strand). Cytogenetic location: 12q21.33.
Variant type: single nucleotide variant.
Coding change: c.722A>G on transcript NM_172240.3 (MANE Select); coding-DNA position 722, A replaced by G.
Protein change: p.Asn241Ser; replaces asparagine 241 with serine.
Molecular consequence: missense variant. On other transcripts: non-coding transcript variant (2).
Genome position (GRCh38, 1-based): chr12:89,470,449, T>C on the plus strand (A>G on the coding strand, the complement: POC1B is on the minus strand). VCF-style: chr12-89470449-T-C. GRCh37 (hg19) VCF-style: chr12-89864226-T-C.
Other names: c.596A>G, p.Asn199Ser (NM_001199777.2); short protein forms N241S, N199S.
Identifiers: ClinVar variation 1353079 (VCV001353079.8), dbSNP rs762804429, ClinGen allele CA6714414.
Genomic context (GRCh38, chr12:89,470,449, plus strand): 5'-CTTCCTTCTAAGAGGTCCAGAATCTTAAGGGTACCATCTGAAGAAGCTGTGATGAGATAG[T>C]TACCCGAAGGATGGAATGATATGCAATTAACTCCACCGCTGTGAACTGATTTGTAGAAAA-3'
Protein context (NP_758440.1, residues 231-251): VNCISFHPSG[Asn241Ser]YLITASSDGT

ClinVar aggregate classification (germline): Uncertain significance (1 of 4 stars; one submission).

Allele frequency attached by ClinVar (database versions not stated): ExAC 0.00001; gnomAD exomes 0.00001.
gnomAD v4.1: 3 of 1,608,056 alleles (0.00019%); highest among the groups gnomAD compares: Admixed American, 0.005%; no homozygotes.

Submission:

Labcorp Genetics (formerly Invitae), Labcorp
Classification: Uncertain significance. Last evaluated: 2021-01-28. Review status: criteria provided, single submitter. Criteria: Invitae Variant Classification Sherloc (09022015). Collection method: clinical testing. Allele origin: germline.
Comment: This variant is present in population databases (rs762804429, ExAC 0.009%). This sequence change replaces asparagine with serine at codon 241 of the POC1B protein (p.Asn241Ser). The asparagine residue is moderately conserved and there is a small physicochemical difference between asparagine and serine. This variant has not been reported in the literature in individuals with POC1B-related conditions. In summary, the available evidence is currently insufficient to determine the role of this variant in disease. Therefore, it has been classified as a Variant of Uncertain Significance. Algorithms developed to predict the effect of sequence changes on RNA splicing suggest that this variant may create or strengthen a splice site, but this prediction has not been confirmed by published transcriptional studies. Algorithms developed to predict the effect of missense changes on protein structure and function are either unavailable or do not agree on the potential impact of this missense change (SIFT: "Tolerated"; PolyPhen-2: "Possibly Damaging"; Align-GVGD: "Class C0").